The following is an entry in ClinVar:

ClinVar aggregate classification (germline): Uncertain significance. Review status: criteria provided, multiple submitters, no conflicts (2 of 4 stars). 5 submissions from 5 submitters: Uncertain significance (4). 1 of the submissions does not count toward it. Last evaluated 2026-04-17.

Conditions:
Retinitis pigmentosa 12 (RP12). Also called: RP WITH OR WITHOUT PRESERVED PARAARTERIOLE RETINAL PIGMENT EPITHELIUM; RETINITIS PIGMENTOSA WITH OR WITHOUT PARAARTERIOLAR PRESERVATION OF RETINAL PIGMENT EPITHELIUM; RP WITH OR WITHOUT PPRPE. Identifiers: Orphanet 791, MedGen C1838647, MONDO:0010818, OMIM 600105.
Leber congenital amaurosis 8 (LCA8). Identifiers: Orphanet 65, MedGen C3151202, MONDO:0013453, OMIM 613835.
Leber congenital amaurosis (LCA). Also called: Leber's amaurosis. Identifiers: Orphanet 65, MedGen C0339527, MeSH D057130, MONDO:0018998.
Inborn genetic diseases. Identifiers: MedGen C0950123, MeSH D030342.
CRB1-related disorder. Also called: CRB1-related disorders; CRB1-related condition.

Allele frequency attached by ClinVar (database versions not stated): gnomAD exomes 0.00001 and 0.00003; ExAC 0.00003; TOPMed 0.00009; gnomAD 0.00011 and 0.00012; 1000 Genomes Project 30x 0.00016; 1000 Genomes Project 0.00020; ESP Exome Variant Server 0.00023.
gnomAD v4.1: 41 of 1,614,100 alleles (0.0025%); highest among the groups gnomAD compares: African/African-American, 0.028%; no homozygotes.

Submissions (5):

PreventionGenetics, part of Exact Sciences
Classification: Uncertain significance for CRB1-related condition. Last evaluated: 2026-04-17. Review status: criteria provided, single submitter. Criteria: ACMG Guidelines, 2015. Collection method: clinical testing. Allele origin: germline.
Comment: The CRB1 c.679G>A variant is predicted to result in the amino acid substitution p.Glu227Lys. To our knowledge, this variant has not been reported in the literature. This variant is reported in 0.024% of alleles in individuals of African descent in gnomAD. At this time, the clinical significance of this variant is uncertain due to the absence of conclusive functional and genetic evidence.

Ambry Genetics
Classification: Uncertain significance for Inborn genetic diseases. Last evaluated: 2025-06-09. Review status: criteria provided, single submitter. Criteria: Ambry Variant Classification Scheme 2023. Collection method: clinical testing. Allele origin: germline.

Labcorp Genetics (formerly Invitae), Labcorp
Classification: Uncertain significance for Leber congenital amaurosis 8; Retinitis pigmentosa 12. Last evaluated: 2024-01-17. Review status: criteria provided, single submitter. Criteria: Invitae Variant Classification Sherloc (09022015). Collection method: clinical testing. Allele origin: germline.
Comment: This sequence change replaces glutamic acid, which is acidic and polar, with lysine, which is basic and polar, at codon 227 of the CRB1 protein (p.Glu227Lys). This variant is present in population databases (rs190037839, gnomAD 0.02%). This variant has not been reported in the literature in individuals affected with CRB1-related conditions. ClinVar contains an entry for this variant (Variation ID: 844140). Advanced modeling of protein sequence and biophysical properties (such as structural, functional, and spatial information, amino acid conservation, physicochemical variation, residue mobility, and thermodynamic stability) has been performed at Invitae for this missense variant, however the output from this modeling did not meet the statistical confidence thresholds required to predict the impact of this variant on CRB1 protein function. In summary, the available evidence is currently insufficient to determine the role of this variant in disease. Therefore, it has been classified as a Variant of Uncertain Significance.

Blueprint Genetics
Classification: Uncertain significance. Last evaluated: 2021-06-30. Review status: criteria provided, single submitter. Criteria: ACMG Guidelines, 2015. Collection method: clinical testing. Allele origin: germline.

Natera, Inc.
Classification: Uncertain significance for Leber congenital amaurosis. Last evaluated: 2020-09-16. Review status: no assertion criteria provided. Collection method: clinical testing. Allele origin: germline. Not counted in ClinVar's aggregate classification.

NM_201253.3(CRB1):c.679G>A (p.Glu227Lys)

Gene: CRB1 (crumbs cell polarity complex component 1; plus strand). Cytogenetic location: 1q31.3.
Variant type: single nucleotide variant.
Coding change: c.679G>A on transcript NM_201253.3 (MANE Select); coding-DNA position 679, G replaced by A.
Protein change: p.Glu227Lys; replaces glutamic acid 227 with lysine.
Molecular consequence: missense variant. On other transcripts: non-coding transcript variant (2), intron variant (1).
Genome position (GRCh38, 1-based): chr1:197,344,307, G>A. VCF-style: chr1-197344307-G-A. GRCh37 (hg19) VCF-style: chr1-197313437-G-A.
Other names: c.472G>A, p.Glu158Lys (NM_001257965.2); c.679G>A, p.Glu227Lys (NM_001257966.2); c.653-12524G>A (NM_001193640.2); short protein forms E158K, E227K.
Identifiers: ClinVar variation 844140 (VCV000844140.12), dbSNP rs190037839, ClinGen allele CA1311691.
Genomic context (GRCh38, chr1:197,344,307, plus strand): 5'-TTTTCTGTTTTTTCTGTGCTGACTTTTTTAAAAGGTGTAAACTGTGAATTGGAAATTGAC[G>A]AATGTTGGTCCCAGCCTTGTTTAAATGGTGCAACTTGTCAGGATGCTCTGGGGGCCTATT-3'
Protein context (NP_957705.1, residues 217-237): SGVNCELEID[Glu227Lys]CWSQPCLNGA